The following is an entry in ClinVar:

ClinVar aggregate classification (germline): Uncertain significance (1 of 4 stars; one submission).

Conditions:
Nephronophthisis. Also called: Juvenile Nephronophthisis. Identifiers: Orphanet 655, MedGen C0687120, MONDO:0019005, HP:0000090.

Allele frequency attached by ClinVar (database versions not stated): ExAC 0.00001; gnomAD 0.00002; gnomAD exomes 0.00002 and 0.00004; TOPMed 0.00002.
gnomAD v4.1: 13 of 1,591,478 alleles (0.00082%); highest among the groups gnomAD compares: Admixed American, 0.019%; no homozygotes.

Submission:

Labcorp Genetics (formerly Invitae), Labcorp
Classification: Uncertain significance for Nephronophthisis. Last evaluated: 2022-08-09. Review status: criteria provided, single submitter. Criteria: Invitae Variant Classification Sherloc (09022015). Collection method: clinical testing. Allele origin: germline.
Comment: This sequence change replaces alanine, which is neutral and non-polar, with valine, which is neutral and non-polar, at codon 72 of the NPHP3 protein (p.Ala72Val). This variant is present in population databases (rs762186797, gnomAD 0.02%). This variant has not been reported in the literature in individuals affected with NPHP3-related conditions. ClinVar contains an entry for this variant (Variation ID: 1442970). Algorithms developed to predict the effect of missense changes on protein structure and function are either unavailable or do not agree on the potential impact of this missense change (SIFT: "Deleterious"; PolyPhen-2: "Benign"; Align-GVGD: "Class C0"). Algorithms developed to predict the effect of sequence changes on RNA splicing suggest that this variant may create or strengthen a splice site. In summary, the available evidence is currently insufficient to determine the role of this variant in disease. Therefore, it has been classified as a Variant of Uncertain Significance.

NM_153240.5(NPHP3):c.215C>T (p.Ala72Val)

Genes: NPHP3 (nephrocystin 3; minus strand), NPHP3-ACAD11 (NPHP3-ACAD11 readthrough (NMD candidate); minus strand), NPHP3-AS1 (NPHP3 antisense RNA 1; plus strand), LOC129937586 (ATAC-STARR-seq lymphoblastoid silent region 14743; plus strand). Cytogenetic location: 3q22.1.
Variant type: single nucleotide variant.
Coding change: c.215C>T on transcript NM_153240.5 (MANE Select); coding-DNA position 215, C replaced by T.
Protein change: p.Ala72Val; replaces alanine 72 with valine.
Molecular consequence: missense variant. On other transcripts: non-coding transcript variant (3).
Genome position (GRCh38, 1-based): chr3:132,722,141, G>A on the plus strand (C>T on the coding strand, the complement: NPHP3 is on the minus strand). VCF-style: chr3-132722141-G-A. GRCh37 (hg19) VCF-style: chr3-132440985-G-A.
Other names: short protein forms A72V.
Identifiers: ClinVar variation 1442970 (VCV001442970.3), dbSNP rs762186797, ClinGen allele CA2622683.
Genomic context (GRCh38, chr3:132,722,141, plus strand): 5'-TCGTACTCGGCCGCCGCGTACTCCAGCTCTGGCACCGACGAGCCAGTGGACTTGAAGCTG[G>A]CCCCCAGCAGCCCGCCCGCGCCCACCCCGCGGGGCAGCGACCCGGGCCCGGCCCCTGCTG-3'
Protein context (NP_694972.3, residues 62-82): RGVGAGGLLG[Ala72Val]SFKSTGSSVP